The following is an entry in ClinVar:

NM_001918.5(DBT):c.461del (p.Pro154fs)

Gene: DBT (dihydrolipoamide branched chain transacylase E2; minus strand). Cytogenetic location: 1p21.2.
Variant type: Deletion.
Coding change: c.461del on transcript NM_001918.5 (MANE Select); coding-DNA position 461, one base deleted (C; older notation c.461delC).
Protein change: p.Pro154fs; shifts the reading frame from proline 154.
Molecular consequence: frameshift variant. On other transcripts: 5 prime UTR variant (2), non-coding transcript variant (4).
Genome position (GRCh38, 1-based): chr1:100,218,720, G deleted on the plus strand (C on the coding strand, the reverse complement: DBT is on the minus strand); the first of 2 consecutive G bases (chr1:100,218,720-100,218,721); deleting either gives the same sequence. VCF-style (leftmost placement, unchanged base first): chr1-100218719-AG-A. GRCh37 (hg19) VCF-style: chr1-100684275-AG-A.
Other names: c.-83del (NM_001399969.1, NM_001399972.1); short protein forms P154fs.
Identifiers: ClinVar variation 5015505 (VCV005015505.1).

ClinVar aggregate classification (germline): Pathogenic (1 of 4 stars; one submission).

Conditions:
Maple syrup urine disease type 2 (MSUD2). Also called: Maple syrup urine disease, type II. Identifiers: MedGen C1855371, MONDO:0023693, OMIM 620699.

Submission:

Myriad Genetics, Inc.
Classification: Pathogenic for Maple syrup urine disease type 2. Last evaluated: 2026-02-02. Review status: criteria provided, single submitter. Criteria: Myriad Autosomal Dominant, Autosomal Recessive and X-Linked Classification Criteria (2023). Collection method: clinical testing. Allele origin: unknown.
Comment: NM_001918.3(DBT):c.461delC(P154Lfs*13) is expected to be pathogenic in the context of maple syrup urine disease type II. This variant is predicted to lead to an abnormal or absent protein product due to the creation of a premature termination codon in DBT, a gene where loss-of-function variants are known to be pathogenic. Please note: this variant was assessed in the context of healthy population screening.